The following is an entry in ClinVar:

ClinVar aggregate classification (germline): Likely benign. Review status: criteria provided, multiple submitters, no conflicts (2 of 4 stars). 3 submissions from 3 submitters: Likely benign (3). Last evaluated 2025-10-11.

Conditions:
Cardiovascular phenotype. Identifiers: MedGen CN230736.
Brugada syndrome. Also called: Sudden unexpected nocturnal death syndrome; Sudden unexplained nocturnal death syndrome; Sudden Unexplained Death Syndrome; Sudden Unexplained Nocturnal Death Syndrome (SUNDS). Identifiers: Orphanet 130, MedGen C1142166, MONDO:0015263.

gnomAD v4.1: 4 of 1,613,926 alleles (0.00025%); highest among the groups gnomAD compares: African/African-American, 0.0013%; no homozygotes.

Submissions (3):

Mayo Clinic Laboratories, Mayo Clinic
Classification: Likely benign. Last evaluated: 2025-10-11. Review status: criteria provided, single submitter. Criteria: ACMG Guidelines, 2015. Collection method: clinical testing. Allele origin: germline. Observed: 1 variant allele.
Comment: BP4, BP7

Ambry Genetics
Classification: Likely benign for Cardiovascular phenotype. Last evaluated: 2024-01-16. Review status: criteria provided, single submitter. Criteria: Ambry Variant Classification Scheme 2023. Collection method: clinical testing. Allele origin: germline.

Labcorp Genetics (formerly Invitae), Labcorp
Classification: Likely benign for Brugada syndrome. Last evaluated: 2020-03-27. Review status: criteria provided, single submitter. Criteria: Invitae Variant Classification Sherloc (09022015). Collection method: clinical testing. Allele origin: germline.

NM_006514.4(SCN10A):c.5344C>A (p.Arg1782=)

Gene: SCN10A (sodium voltage-gated channel alpha subunit 10; minus strand). Cytogenetic location: 3p22.2.
Variant type: single nucleotide variant.
Coding change: c.5344C>A on transcript NM_006514.4 (MANE Select); coding-DNA position 5344, C replaced by A.
Protein change: p.Arg1782=; no amino-acid change (arginine 1782 retained).
Molecular consequence: synonymous variant.
Genome position (GRCh38, 1-based): chr3:38,697,876, G>T on the plus strand (C>A on the coding strand, the complement: SCN10A is on the minus strand). VCF-style: chr3-38697876-G-T. GRCh37 (hg19) VCF-style: chr3-38739367-G-T.
Other names: p.Arg1782=; c.5341C>A, p.Arg1781= (NM_001293306.2); c.5050C>A, p.Arg1684= (NM_001293307.2); c.5344C>A (NM_006514.3, NM_006514.2).
Identifiers: ClinVar variation 1133319 (VCV001133319.9), dbSNP rs988575222, ClinGen allele CA72947015.